The following is an entry in ClinVar:

NM_019594.4(LRRC8A):c.1036C>T (p.Arg346Cys)

Gene: LRRC8A (leucine rich repeat containing 8 VRAC subunit A; plus strand). Cytogenetic location: 9q34.11.
Variant type: single nucleotide variant.
Coding change: c.1036C>T on transcript NM_019594.4 (MANE Select); coding-DNA position 1036, C replaced by T.
Protein change: p.Arg346Cys; replaces arginine 346 with cysteine.
Molecular consequence: missense variant.
Genome position (GRCh38, 1-based): chr9:128,908,200, C>T. VCF-style: chr9-128908200-C-T. GRCh37 (hg19) VCF-style: chr9-131670479-C-T.
Other names: c.1036C>T, p.Arg346Cys (NM_001127244.2, NM_001127245.2); short protein forms R346C.
Identifiers: ClinVar variation 1484583 (VCV001484583.8), dbSNP rs369271984, ClinGen allele CA5270824.

ClinVar aggregate classification (germline): Uncertain significance (1 of 4 stars; one submission).

Allele frequency attached by ClinVar (database versions not stated): gnomAD 0.00001; gnomAD exomes 0.00001 and 0.00002; TOPMed 0.00001; ExAC 0.00004; ESP Exome Variant Server 0.00008.
gnomAD v4.1: 11 of 1,613,924 alleles (0.00068%); highest among the groups gnomAD compares: Middle Eastern, 0.016%; no homozygotes.

Submission:

Labcorp Genetics (formerly Invitae), Labcorp
Classification: Uncertain significance. Last evaluated: 2024-06-11. Review status: criteria provided, single submitter. Criteria: Invitae Variant Classification Sherloc (09022015). Collection method: clinical testing. Allele origin: germline.
Comment: This sequence change replaces arginine, which is basic and polar, with cysteine, which is neutral and slightly polar, at codon 346 of the LRRC8A protein (p.Arg346Cys). This variant is present in population databases (rs369271984, gnomAD 0.007%). This variant has not been reported in the literature in individuals affected with LRRC8A-related conditions. ClinVar contains an entry for this variant (Variation ID: 1484583). An algorithm developed to predict the effect of missense changes on protein structure and function (PolyPhen-2) suggests that this variant is likely to be disruptive. In summary, the available evidence is currently insufficient to determine the role of this variant in disease. Therefore, it has been classified as a Variant of Uncertain Significance.